The following is an entry in ClinVar:

NM_182641.4(BPTF):c.1865-5530T>C

Gene: BPTF (bromodomain PHD finger transcription factor; plus strand). Cytogenetic location: 17q24.2.
Variant type: single nucleotide variant.
Coding change: c.1865-5530T>C on transcript NM_182641.4 (MANE Select); 5530 bases into the intron before coding-DNA position 1865, T replaced by C.
Molecular consequence: intron variant. On other transcripts: missense variant (4).
Genome position (GRCh38, 1-based): chr17:67,886,314, T>C. VCF-style: chr17-67886314-T-C. GRCh37 (hg19) VCF-style: chr17-65882430-T-C.
Other names: c.2240T>C, p.Ile747Thr (NM_001439140.1, NM_001439142.1, NM_004459.7); c.2051T>C, p.Ile684Thr (NM_001439143.1); c.2054-5530T>C (NM_001439141.1, NM_001439139.1, NM_001439144.1); short protein forms I684T, I747T.
Identifiers: ClinVar variation 4713996 (VCV004713996.1).

ClinVar aggregate classification (germline): Uncertain significance (1 of 4 stars; one submission).

gnomAD v4.1: 2 of 1,601,304 alleles (0.00012%); highest among the groups gnomAD compares: South Asian, 0.0011%; no homozygotes.

Submission:

Labcorp Genetics (formerly Invitae), Labcorp
Classification: Uncertain significance. Last evaluated: 2025-03-27. Review status: criteria provided, single submitter. Criteria: Invitae Variant Classification Sherloc (09022015). Collection method: clinical testing. Allele origin: germline.
Comment: This sequence change replaces isoleucine, which is neutral and non-polar, with threonine, which is neutral and polar, at codon 747 of the BPTF protein (p.Ile747Thr). This variant is present in population databases (no rsID available, gnomAD 0.003%). This variant has not been reported in the literature in individuals affected with BPTF-related conditions. An algorithm developed to predict the effect of missense changes on protein structure and function (PolyPhen-2) suggests that this variant is likely to be tolerated. In summary, the available evidence is currently insufficient to determine the role of this variant in disease. Therefore, it has been classified as a Variant of Uncertain Significance.